The following is an entry in ClinVar:

NM_001253697.2(ERBIN):c.3260A>C (p.Asn1087Thr)

Gene: ERBIN (erbb2 interacting protein; plus strand). Cytogenetic location: 5q12.3.
Variant type: single nucleotide variant.
Coding change: c.3260A>C on transcript NM_001253697.2 (MANE Select); coding-DNA position 3260, A replaced by C.
Protein change: p.Asn1087Thr; replaces asparagine 1087 with threonine.
Molecular consequence: missense variant.
Genome position (GRCh38, 1-based): chr5:66,054,578, A>C. VCF-style: chr5-66054578-A-C. GRCh37 (hg19) VCF-style: chr5-65350406-A-C.
Other names: c.3260A>C, p.Asn1087Thr (NM_001006600.3, NM_001253698.2, NM_001253699.2 and 1 more transcripts); c.3248A>C, p.Asn1083Thr (NM_001253701.2); short protein forms N1083T, N1087T.
Identifiers: ClinVar variation 4707837 (VCV004707837.1).
Genomic context (GRCh38, chr5:66,054,578, plus strand): 5'-CTGCAGTAACTCGAAGTACAATCCAGCGACAAAGTAGTGTGTCCTCCACAGCCTCTGTAA[A>C]TCTTGGTGATCCAGGCTCTACAAGGCGGGCTCAGATTCCTGAAGGAGATTATTTATCATA-3'
Protein context (NP_001240626.1, residues 1077-1097): QSSVSSTASV[Asn1087Thr]LGDPGSTRRA

ClinVar aggregate classification (germline): Uncertain significance (1 of 4 stars; one submission).

gnomAD v4.1: 35 of 1,614,020 alleles (0.0022%); highest among the groups gnomAD compares: South Asian, 0.032%; no homozygotes.

Submission:

Labcorp Genetics (formerly Invitae), Labcorp
Classification: Uncertain significance. Last evaluated: 2025-04-11. Review status: criteria provided, single submitter. Criteria: Invitae Variant Classification Sherloc (09022015). Collection method: clinical testing. Allele origin: germline.
Comment: This sequence change replaces asparagine, which is neutral and polar, with threonine, which is neutral and polar, at codon 1087 of the ERBIN protein (p.Asn1087Thr). This variant is present in population databases (rs56330910, gnomAD 0.03%). This variant has not been reported in the literature in individuals affected with ERBIN-related conditions. An algorithm developed to predict the effect of missense changes on protein structure and function outputs the following: PolyPhen-2: "Benign". The threonine amino acid residue is found in multiple mammalian species, which suggests that this missense change does not adversely affect protein function. In summary, the available evidence is currently insufficient to determine the role of this variant in disease. Therefore, it has been classified as a Variant of Uncertain Significance.